The following is an entry in ClinVar:

ClinVar aggregate classification (germline): Likely pathogenic (0 of 4 stars; one submission).

Conditions:
Ataxia-telangiectasia syndrome (AT). Also called: ATAXIA-TELANGIECTASIA, COMPLEMENTATION GROUP A; ATAXIA-TELANGIECTASIA, FRESNO VARIANT; Ataxia-telangiectasia; Ataxia telangiectasia (A-T); Cerebello-oculocutaneous telangiectasia; Immunodeficiency with ataxia telangiectasia. Identifiers: Orphanet 100, MedGen C0004135, MONDO:0008840, OMIM 208900.

Submission:

Manipal Hospitals, Manipal Hospital
Classification: Likely pathogenic for Ataxia-telangiectasia syndrome. Review status: no assertion criteria provided. Collection method: clinical testing. Allele origin: germline. Affected: yes. Observed: 2 variant alleles.

Literature cited by the submitters: PubMed 27884168.

NM_000051.4(ATM):c.1192del (p.Asp398fs)

Gene: ATM (ATM serine/threonine kinase; plus strand). Cytogenetic location: 11q22.3.
Variant type: Deletion.
Coding change: c.1192del on transcript NM_000051.4 (MANE Select); coding-DNA position 1192, one base deleted (G; older notation c.1192delG).
Protein change: p.Asp398fs; shifts the reading frame from aspartic acid 398.
Molecular consequence: frameshift variant.
Genome position (GRCh38, 1-based): chr11:108,249,059, G deleted. VCF-style (leftmost placement, unchanged base first): chr11-108249058-AG-A. GRCh37 (hg19) VCF-style: chr11-108119785-AG-A.
Other names: c.1192delG (NM_000051.3); c.1192del, p.Asp398fs (NM_001351834.2); short protein forms D398fs.
Identifiers: ClinVar variation 375242 (VCV000375242.3), dbSNP rs1057519330, ClinGen allele CA16044015.